The following is an entry in ClinVar:

NM_005739.4(RASGRP1):c.1106T>G (p.Met369Arg)

Gene: RASGRP1 (RAS guanyl releasing protein 1; minus strand). Cytogenetic location: 15q14.
Variant type: single nucleotide variant.
Coding change: c.1106T>G on transcript NM_005739.4 (MANE Select); coding-DNA position 1106, T replaced by G.
Protein change: p.Met369Arg; replaces methionine 369 with arginine.
Molecular consequence: missense variant.
Genome position (GRCh38, 1-based): chr15:38,507,862, A>C on the plus strand (T>G on the coding strand, the complement: RASGRP1 is on the minus strand). VCF-style: chr15-38507862-A-C. GRCh37 (hg19) VCF-style: chr15-38800063-A-C.
Other names: c.1106T>G, p.Met369Arg (NM_001128602.2, NM_001306086.2); short protein forms M369R.
Identifiers: ClinVar variation 1966043 (VCV001966043.5), dbSNP rs751118810, ClinGen allele CA391666311.

ClinVar aggregate classification (germline): Uncertain significance (1 of 4 stars; one submission).

gnomAD v4.1: 4 of 1,613,854 alleles (0.00025%); highest among the groups gnomAD compares: Middle Eastern, 0.016%; no homozygotes.

Submission:

Labcorp Genetics (formerly Invitae), Labcorp
Classification: Uncertain significance. Last evaluated: 2023-04-09. Review status: criteria provided, single submitter. Criteria: Invitae Variant Classification Sherloc (09022015). Collection method: clinical testing. Allele origin: germline.
Comment: In summary, the available evidence is currently insufficient to determine the role of this variant in disease. Therefore, it has been classified as a Variant of Uncertain Significance. Advanced modeling of protein sequence and biophysical properties (such as structural, functional, and spatial information, amino acid conservation, physicochemical variation, residue mobility, and thermodynamic stability) performed at Invitae indicates that this missense variant is not expected to disrupt RASGRP1 protein function. ClinVar contains an entry for this variant (Variation ID: 1966043). This variant has not been reported in the literature in individuals affected with RASGRP1-related conditions. This variant is not present in population databases (gnomAD no frequency). This sequence change replaces methionine, which is neutral and non-polar, with arginine, which is basic and polar, at codon 369 of the RASGRP1 protein (p.Met369Arg).